The following is an entry in ClinVar:

NM_022089.4(ATP13A2):c.47A>T (p.Tyr16Phe)

Gene: ATP13A2 (ATPase cation transporting 13A2; minus strand). Cytogenetic location: 1p36.13.
Variant type: single nucleotide variant.
Coding change: c.47A>T on transcript NM_022089.4 (MANE Select); coding-DNA position 47, A replaced by T.
Protein change: p.Tyr16Phe; replaces tyrosine 16 with phenylalanine.
Molecular consequence: missense variant.
Genome position (GRCh38, 1-based): chr1:17,005,742, T>A on the plus strand (A>T on the coding strand, the complement: ATP13A2 is on the minus strand). VCF-style: chr1-17005742-T-A. GRCh37 (hg19) VCF-style: chr1-17332237-T-A.
Other names: c.47A>T, p.Tyr16Phe (NM_001141973.3, NM_001141974.3); short protein forms Y16F.
Identifiers: ClinVar variation 1743174 (VCV001743174.2), dbSNP rs1368656267, ClinGen allele CA338265578.
Genomic context (GRCh38, chr1:17,005,742, plus strand): 5'-ACCACGGATGAAACTGAGGAGCTGAGGGGATCTATTGATGTCCCTATCGTCAGGGTCCCA[T>A]AACCGGTGGGCGTGCTGCCCACGAGAGGGCTGCTGTCTGTGGACAGAAAAGAGAAAGGTC-3'
Protein context (NP_071372.1, residues 6-26): SPLVGSTPTG[Tyr16Phe]GTLTIGTSID

ClinVar aggregate classification (germline): Uncertain significance (1 of 4 stars; one submission).

Conditions:
Inborn genetic diseases. Identifiers: MedGen C0950123, MeSH D030342.

Submission:

Ambry Genetics
Classification: Uncertain significance for Inborn genetic diseases. Last evaluated: 2018-01-31. Review status: criteria provided, single submitter. Criteria: Ambry Variant Classification Scheme 2023. Collection method: clinical testing. Allele origin: germline.
Comment: The p.Y16F variant (also known as c.47A>T), located in coding exon 2 of the ATP13A2 gene, results from an A to T substitution at nucleotide position 47. The tyrosine at codon 16 is replaced by phenylalanine, an amino acid with some highly similar properties. This amino acid position is highly conserved in available vertebrate species. In addition, the in silico prediction for this alteration is inconclusive. Since supporting evidence is limited at this time, the clinical significance of this alteration remains unclear.